The following is an entry in ClinVar:

ClinVar aggregate classification (germline): Uncertain significance (1 of 4 stars; one submission).

Allele frequency attached by ClinVar (database versions not stated): gnomAD 0.00001.
gnomAD v4.1: 2 of 1,613,482 alleles (0.00012%); highest among the groups gnomAD compares: Non-Finnish European, 0.00017%; no homozygotes.

Submission:

Ambry Genetics
Classification: Uncertain significance. Last evaluated: 2023-12-08. Review status: criteria provided, single submitter. Criteria: Ambry Variant Classification Scheme 2023. Collection method: clinical testing. Allele origin: germline.
Comment: The p.H1282Q variant (also known as c.3846T>G), located in coding exon 16 of the POLQ gene, results from a T to G substitution at nucleotide position 3846. The histidine at codon 1282 is replaced by glutamine, an amino acid with highly similar properties. This amino acid position is conserved. In addition, this alteration is predicted to be tolerated by in silico analysis. Since supporting evidence is limited at this time, the clinical significance of this alteration remains unclear.

NM_199420.4(POLQ):c.3846T>G (p.His1282Gln)

Gene: POLQ (DNA polymerase theta; minus strand). Cytogenetic location: 3q13.33.
Variant type: single nucleotide variant.
Coding change: c.3846T>G on transcript NM_199420.4 (MANE Select); coding-DNA position 3846, T replaced by G.
Protein change: p.His1282Gln; replaces histidine 1282 with glutamine.
Molecular consequence: missense variant.
Genome position (GRCh38, 1-based): chr3:121,489,085, A>C on the plus strand (T>G on the coding strand, the complement: POLQ is on the minus strand). VCF-style: chr3-121489085-A-C. GRCh37 (hg19) VCF-style: chr3-121207932-A-C.
Other names: short protein forms H1282Q.
Identifiers: ClinVar variation 3229969 (VCV003229969.1), dbSNP rs2048040415, ClinGen allele CA354096939.